The following is an entry in ClinVar:

NM_001002295.2(GATA3):c.896G>A (p.Arg299Gln)

Gene: GATA3 (GATA binding protein 3; plus strand). Cytogenetic location: 10p14.
Variant type: single nucleotide variant.
Coding change: c.896G>A on transcript NM_001002295.2 (MANE Select); coding-DNA position 896, G replaced by A.
Protein change: p.Arg299Gln; replaces arginine 299 with glutamine.
Molecular consequence: missense variant.
Genome position (GRCh38, 1-based): chr10:8,064,110, G>A. VCF-style: chr10-8064110-G-A. GRCh37 (hg19) VCF-style: chr10-8106073-G-A.
Other names: c.893G>A, p.Arg298Gln (NM_002051.3); c.896G>A (NM_001002295.1); short protein forms R298Q, R299Q.
Identifiers: ClinVar variation 2136842 (VCV002136842.6), dbSNP rs2131501118, ClinGen allele CA375973710.

ClinVar aggregate classification (germline): Pathogenic/Likely pathogenic. Review status: criteria provided, multiple submitters, no conflicts (2 of 4 stars). 4 submissions from 4 submitters: Pathogenic (2); Likely pathogenic (2). Last evaluated 2026-07-03.

Conditions:
Hypoparathyroidism, deafness, renal disease syndrome (HDRS). Also called: HYPOPARATHYROIDISM, SENSORINEURAL DEAFNESS, AND RENAL DYSPLASIA SYNDROME. Identifiers: Orphanet 2237, MedGen C1840333, MONDO:0007797, OMIM 146255.

Submissions (4):

Centre de Génétique Humaine, Institut de Pathologie Et de Génétique
Classification: Likely pathogenic for Hypoparathyroidism, deafness, renal disease syndrome. Last evaluated: 2026-07-03. Review status: criteria provided, single submitter. Criteria: ACMG Guidelines, 2015. Collection method: clinical testing. Allele origin: unknown. Inheritance: Autosomal dominant inheritance. Affected: yes. Observed: 1 variant allele, 1 heterozygote.
Comment: This variant affects a highly conserved nucleotide and aminoacid residue (phyloP: 10.00) in a mutational hot spot region (PM1). It is absent from GnomAD 4.1.1 (PM2). The majority of in silico evaluation tools classify it as deleterious (CADD 32, REVEL 0.859) (PP3). Already reported in ClinVar: VCV002136842.5. Other aminoacid substitutions of the same residue have been previously reported as (likely) pathogenic: p.(Arg299Leu), p.(Arg299Trp) (PM5).

Labcorp Genetics (formerly Invitae), Labcorp
Classification: Pathogenic. Last evaluated: 2026-01-12. Review status: criteria provided, single submitter. Criteria: Invitae Variant Classification Sherloc (09022015). Collection method: clinical testing. Allele origin: germline.
Comment: This sequence change replaces arginine, which is basic and polar, with glutamine, which is neutral and polar, at codon 299 of the GATA3 protein (p.Arg299Gln). This variant is not present in population databases (gnomAD no frequency). This missense change has been observed in individuals with GATA3-related conditions (PMID: 26514990, 27387476; internal data). ClinVar contains an entry for this variant (Variation ID: 2136842). Invitae Evidence Modeling of protein sequence and biophysical properties (such as structural, functional, and spatial information, amino acid conservation, physicochemical variation, residue mobility, and thermodynamic stability) indicates that this missense variant is expected to disrupt GATA3 protein function with a positive predictive value of 80%. Experimental studies have shown that this missense change affects GATA3 function (PMID: 26514990). This variant disrupts the p.Arg299 amino acid residue in GATA3. Other variant(s) that disrupt this residue have been determined to be pathogenic (internal data). This suggests that this residue is clinically significant, and that variants that disrupt this residue are likely to be disease-causing. For these reasons, this variant has been classified as Pathogenic.

Variantyx, Inc.
Classification: Pathogenic for Hypoparathyroidism, deafness, renal disease syndrome. Last evaluated: 2025-11-06. Review status: criteria provided, single submitter. Criteria: Variantyx Assertion Criteria 2022. Collection method: clinical testing. Allele origin: de novo. Inheritance: Autosomal dominant inheritance. Affected: yes.
Comment: This is a nonsynonymous variant in the GATA3 gene (OMIM: 131320). Pathogenic variants in this gene have been associated with autosomal dominant hypoparathyroidism, sensorineural deafness, and renal dysplasia. This variant has been reported in at least two unrelated affected individuals (PMID: 27387476, 27387476) (PS4_Moderate). Functional studies have shown that this variant alters GATA3 protein function (PMID: 26514990) (PS3) and multiple computational algorithms predict a deleterious effect for this variant (REVEL score: 0.859) (PP3). Moreover, an alternate amino acid change at this position (p.Arg299Trp) has been reported; however, its pathogenicity has not been established. This variant is absent from control populations (PM2). Based on the current evidence, this variant is classified as pathogenic for autosomal dominant hypoparathyroidism, sensorineural deafness, and renal dysplasia.

3billion
Classification: Likely pathogenic for Hypoparathyroidism, deafness, renal disease syndrome. Last evaluated: 2024-09-28. Review status: criteria provided, single submitter. Criteria: ACMG Guidelines, 2015. Collection method: clinical testing. Allele origin: germline. Affected: yes.
Comment: The variant is not observed in the gnomAD v4.1.0 dataset. Predicted Consequence/Location: Missense variant Functional studies provide moderate evidence of the variant having a damaging effect on the gene or gene product (PMID: 26514990). In silico tool predictions suggest damaging effect of the variant on gene or gene product [REVEL: 0.86 (>=0.6, sensitivity 0.68 and specificity 0.92); 3Cnet: 0.97 (>=0.6, sensitivity 0.72 and precision 0.9)]. The same nucleotide change resulting in the same amino acid change has been previously reported to be associated with GATA3-related disorder (ClinVar ID: VCV002136842 /PMID: 26514990).Different missense changes at the same codon (p.Arg299Leu, p.Arg299Trp) have been reported as pathogenic/likely pathogenic(ClinVar ID: VCV001503589, VCV001699381). Therefore, this variant is classified as Likely pathogenic according to the recommendation of ACMG/AMP guideline.

Literature cited by the submitters: PubMed 27387476 (cited by 3 submitters); PubMed 26514990 (cited by 3 submitters).